The following is an entry in ClinVar:

NM_000540.3(RYR1):c.6396T>G (p.Gly2132=)

Gene: RYR1 (ryanodine receptor 1; plus strand). Cytogenetic location: 19q13.2.
Variant type: single nucleotide variant.
Coding change: c.6396T>G on transcript NM_000540.3 (MANE Select); coding-DNA position 6396, T replaced by G.
Protein change: p.Gly2132=; no amino-acid change (glycine 2132 retained).
Molecular consequence: synonymous variant.
Genome position (GRCh38, 1-based): chr19:38,494,473, T>G. VCF-style: chr19-38494473-T-G. GRCh37 (hg19) VCF-style: chr19-38985113-T-G.
Other names: c.6396T>G, p.Gly2132= (NM_001042723.2).
Identifiers: ClinVar variation 702755 (VCV000702755.11), dbSNP rs181419618, ClinGen allele CA068207.

ClinVar aggregate classification (germline): Likely benign. Review status: criteria provided, multiple submitters, no conflicts (2 of 4 stars). 2 submissions from 2 submitters: Likely benign (2). Last evaluated 2025-10-06.

Conditions:
RYR1-related disorder. Also called: RYR1-related condition; RYR1-related disorders. Identifiers: MedGen CN239331.
Malignant hyperthermia, susceptibility to, 1 (MHS1). Also called: Malignant hyperthermia suceptibility 1; RYR1-Related Malignant Hyperthermia Susceptibility; Anesthesia related hyperthermia; Malignant hyperpyrexia; Fulminating hyperpyrexia; Pharmacogenic myopathy. Identifiers: Orphanet 423, MedGen C2930980, MONDO:0007783, OMIM 145600.

gnomAD v4.1: 7 of 1,612,374 alleles (0.00043%); highest among the groups gnomAD compares: Non-Finnish European, 0.00017%; no homozygotes.

Submissions (2):

Labcorp Genetics (formerly Invitae), Labcorp
Classification: Likely benign for RYR1-related disorder. Last evaluated: 2025-10-06. Review status: criteria provided, single submitter. Criteria: Invitae Variant Classification Sherloc (09022015). Collection method: clinical testing. Allele origin: germline.

All of Us Research Program, National Institutes of Health
Classification: Likely benign for Malignant hyperthermia, susceptibility to, 1. Last evaluated: 2024-04-16. Review status: criteria provided, single submitter. Criteria: ACMG Guidelines, 2015. Collection method: clinical testing. Allele origin: germline. Inheritance: Autosomal dominant inheritance. Observed: 2 variant alleles, 2 heterozygotes.
Comment: This study involves interpretation of variants in research participants for the purpose of population health screening. Participant phenotype was not available at the time of variant classification. Additional details can be found in publication PMID: 35346344, PMCID: PMC8962531